The following is an entry in ClinVar:

ClinVar aggregate classification (germline): Pathogenic/Likely pathogenic. Review status: criteria provided, multiple submitters, no conflicts (2 of 4 stars). 4 submissions from 4 submitters: Pathogenic (3); Likely pathogenic (1). Last evaluated 2025-01-31.

Conditions:
Neurofibromatosis, type 1 (NF1). Also called: VON RECKLINGHAUSEN DISEASE; NEUROFIBROMATOSIS, TYPE I, SOMATIC; Peripheral type neurofibromatosis; Neurofibromatosis, type I. Identifiers: Orphanet 636, MedGen C0027831, MONDO:0018975, OMIM 162200. Disease mechanism: loss of function.

Submissions (4):

GeneDx
Classification: Pathogenic. Last evaluated: 2025-01-31. Review status: criteria provided, single submitter. Criteria: GeneDx Variant Classification Process June 2021. Collection method: clinical testing. Allele origin: germline. Affected: yes.
Comment: Not observed at significant frequency in large population cohorts (gnomAD); In silico analysis supports that this missense variant has a deleterious effect on protein structure/function; This variant is associated with the following publications: (PMID: 31595648, 2121369, 22807134, 25486365)

Labcorp Genetics (formerly Invitae), Labcorp
Classification: Pathogenic for Neurofibromatosis, type 1. Last evaluated: 2023-02-10. Review status: criteria provided, single submitter. Criteria: Invitae Variant Classification Sherloc (09022015). Collection method: clinical testing. Allele origin: germline.
Comment: For these reasons, this variant has been classified as Pathogenic. This variant disrupts the p.Met1149 amino acid residue in NF1. Other variant(s) that disrupt this residue have been determined to be pathogenic (PMID: 16944272, 24711935, 27322474, 28706617; Invitae). This suggests that this residue is clinically significant, and that variants that disrupt this residue are likely to be disease-causing. Advanced modeling of protein sequence and biophysical properties (such as structural, functional, and spatial information, amino acid conservation, physicochemical variation, residue mobility, and thermodynamic stability) performed at Invitae indicates that this missense variant is expected to disrupt NF1 protein function. ClinVar contains an entry for this variant (Variation ID: 566155). A different variant (c.3447G>T, c.3447G>A) giving rise to the same protein effect has been determined to be pathogenic (PMID: 16944272, 27322474; Invitae). This suggests that this variant is also likely to be causative of disease. This variant is not present in population databases (gnomAD no frequency). This sequence change replaces methionine, which is neutral and non-polar, with isoleucine, which is neutral and non-polar, at codon 1149 of the NF1 protein (p.Met1149Ile).

Genome-Nilou Lab
Classification: Likely pathogenic for Neurofibromatosis, type 1. Last evaluated: 2022-03-15. Review status: criteria provided, single submitter. Criteria: ACMG Guidelines, 2015. Collection method: clinical testing. Allele origin: germline. Affected: no.

UAB Medical Genomics Laboratory, UAB Medicine
Classification: Pathogenic for Neurofibromatosis, type 1. Last evaluated: 2019-06-05. Review status: criteria provided, single submitter. Criteria: ACMG Guidelines, 2015. Collection method: clinical testing. Allele origin: inherited. Affected: yes.

Literature cited by the submitters: PubMed 16944272 (cited by Labcorp Genetics (formerly Invitae), Labcorp); PubMed 24711935 (cited by Labcorp Genetics (formerly Invitae), Labcorp); PubMed 27322474 (cited by Labcorp Genetics (formerly Invitae), Labcorp); PubMed 28706617 (cited by Labcorp Genetics (formerly Invitae), Labcorp); PubMed 31595648 (cited by UAB Medical Genomics Laboratory, UAB Medicine); PubMed 29290338 (cited by UAB Medical Genomics Laboratory, UAB Medicine).

NM_001042492.3(NF1):c.3447G>C (p.Met1149Ile)

Gene: NF1 (neurofibromin 1; plus strand). Cytogenetic location: 17q11.2.
Variant type: single nucleotide variant.
Coding change: c.3447G>C on transcript NM_001042492.3 (MANE Select); coding-DNA position 3447, G replaced by C.
Protein change: p.Met1149Ile; replaces methionine 1149 with isoleucine.
Molecular consequence: missense variant.
Genome position (GRCh38, 1-based): chr17:31,232,832, G>C. VCF-style: chr17-31232832-G-C. GRCh37 (hg19) VCF-style: chr17-29559850-G-C.
Other names: c.3447G>C, p.Met1149Ile (NM_000267.4); short protein forms M1149I.
Identifiers: ClinVar variation 566155 (VCV000566155.12), dbSNP rs1064794277, ClinGen allele CA398989307.